The following is an entry in ClinVar:

NM_000334.4(SCN4A):c.4498G>A (p.Gly1500Ser)

Genes: SCN4A (sodium voltage-gated channel alpha subunit 4; minus strand), GH-LCR (growth hormone locus control region; plus strand). Cytogenetic location: 17q23.3.
Variant type: single nucleotide variant.
Coding change: c.4498G>A on transcript NM_000334.4 (MANE Select); coding-DNA position 4498, G replaced by A.
Protein change: p.Gly1500Ser; replaces glycine 1500 with serine.
Molecular consequence: missense variant.
Genome position (GRCh38, 1-based): chr17:63,941,784, C>T on the plus strand (G>A on the coding strand, the complement: SCN4A is on the minus strand). VCF-style: chr17-63941784-C-T. GRCh37 (hg19) VCF-style: chr17-62019144-C-T.
Other names: short protein forms G1500S.
Identifiers: ClinVar variation 1709302 (VCV001709302.1), dbSNP rs1335434398, ClinGen allele CA400615894.

ClinVar aggregate classification (germline): Uncertain significance (1 of 4 stars; one submission).

Conditions:
Congenital myasthenic syndrome 16. Identifiers: Orphanet 590, MedGen C3280112, MONDO:0013620, OMIM 614198.

Allele frequency attached by ClinVar (database versions not stated): gnomAD exomes below 0.00001; gnomAD 0.00001; TOPMed 0.00001.
gnomAD v4.1: 8 of 1,613,942 alleles (0.0005%); highest among the groups gnomAD compares: African/African-American, 0.0053%; no homozygotes.

Submission:

MGZ Medical Genetics Center
Classification: Uncertain significance for Congenital myasthenic syndrome 16. Last evaluated: 2022-03-07. Review status: criteria provided, single submitter. Criteria: ACMG Guidelines, 2015. Collection method: clinical testing. Allele origin: germline. Affected: yes. Observed: 1 variant allele.
Comment: ACMG criteria applied: PM1, PM2_SUP, PP3